The following is an entry in ClinVar:

NM_198904.4(GABRG2):c.1334G>A (p.Arg445His)

Gene: GABRG2 (gamma-aminobutyric acid type A receptor subunit gamma2; plus strand). Cytogenetic location: 5q34.
Variant type: single nucleotide variant.
Coding change: c.1334G>A on transcript NM_198904.4 (MANE Select); coding-DNA position 1334, G replaced by A.
Protein change: p.Arg445His; replaces arginine 445 with histidine.
Molecular consequence: missense variant. On other transcripts: 3 prime UTR variant (1).
Genome position (GRCh38, 1-based): chr5:162,153,274, G>A. VCF-style: chr5-162153274-G-A. GRCh37 (hg19) VCF-style: chr5-161580280-G-A.
Other names: c.1310G>A, p.Arg437His (NM_000816.3); c.1325G>A, p.Arg442His (NM_001375339.1); c.*168G>A (NM_001375340.1); c.1331G>A, p.Arg444His (NM_001375341.1); c.1307G>A, p.Arg436His (NM_001375342.1); c.1430G>A, p.Arg477His (NM_001375343.1); c.1373G>A, p.Arg458His (NM_001375344.1); c.1244G>A, p.Arg415His (NM_001375345.1); and 6 more; short protein forms R437H, R485H, R445H, R297H, R305H, R342H, R415H, R416H.
Identifiers: ClinVar variation 352643 (VCV000352643.17), dbSNP rs587780341, ClinGen allele CA10623910.

ClinVar aggregate classification (germline): Uncertain significance. Review status: criteria provided, multiple submitters, no conflicts (2 of 4 stars). 5 submissions from 5 submitters: Uncertain significance (5). Last evaluated 2025-06-09.

Conditions:
EPILEPSY, CHILDHOOD ABSENCE, SUSCEPTIBILITY TO, 2 (ECA2). Identifiers: Orphanet 64280, MedGen C1843244, OMIM 607681.
GABRG2-related disorder. Also called: GABRG2-related condition.
Inborn genetic diseases. Identifiers: MedGen C0950123, MeSH D030342.
Febrile seizures, familial, 8 (FEB8). Also called: CONVULSIONS, FAMILIAL FEBRILE, 8. Identifiers: Orphanet 36387, MedGen C1969810, MONDO:0011891, OMIM 607681.

Allele frequency attached by ClinVar (database versions not stated): gnomAD exomes below 0.00001 and 0.00001; TOPMed below 0.00001; gnomAD 0.00001.
gnomAD v4.1: 6 of 1,613,858 alleles (0.00037%); highest among the groups gnomAD compares: African/African-American, 0.0013%; no homozygotes.

Submissions (5):

Labcorp Genetics (formerly Invitae), Labcorp
Classification: Uncertain significance for Febrile seizures, familial, 8; EPILEPSY, CHILDHOOD ABSENCE, SUSCEPTIBILITY TO, 2. Last evaluated: 2025-06-09. Review status: criteria provided, single submitter. Criteria: Invitae Variant Classification Sherloc (09022015). Collection method: clinical testing. Allele origin: germline.
Comment: This sequence change replaces arginine, which is basic and polar, with histidine, which is basic and polar, at codon 437 of the GABRG2 protein (p.Arg437His). This variant is present in population databases (no rsID available, gnomAD 0.007%). This variant has not been reported in the literature in individuals affected with GABRG2-related conditions. ClinVar contains an entry for this variant (Variation ID: 352643). Invitae Evidence Modeling of protein sequence and biophysical properties (such as structural, functional, and spatial information, amino acid conservation, physicochemical variation, residue mobility, and thermodynamic stability) has been performed for this missense variant. However, the output from this modeling did not meet the statistical confidence thresholds required to predict the impact of this variant on GABRG2 protein function. This variant disrupts the p.Arg437 amino acid residue in GABRG2. Other variant(s) that disrupt this residue have been determined to be pathogenic (internal data). This suggests that this residue is clinically significant, and that variants that disrupt this residue are likely to be disease-causing. In summary, the available evidence is currently insufficient to determine the role of this variant in disease. Therefore, it has been classified as a Variant of Uncertain Significance.

PreventionGenetics, part of Exact Sciences
Classification: Uncertain significance for GABRG2-related condition. Last evaluated: 2023-04-19. Review status: criteria provided, single submitter. Criteria: ACMG Guidelines, 2015. Collection method: clinical testing. Allele origin: germline.
Comment: The GABRG2 c.1310G>A variant is predicted to result in the amino acid substitution p.Arg437His. To our knowledge, this variant has not been reported in the literature. This variant is reported in 0.0040% of alleles in individuals of African descent in gnomAD. At this time, the clinical significance of this variant is uncertain due to the absence of conclusive functional and genetic evidence.

Ambry Genetics
Classification: Uncertain significance for Inborn genetic diseases. Last evaluated: 2022-10-26. Review status: criteria provided, single submitter. Criteria: Ambry Variant Classification Scheme 2023. Collection method: clinical testing. Allele origin: germline.

Mayo Clinic Laboratories, Mayo Clinic
Classification: Uncertain significance. Last evaluated: 2019-08-26. Review status: criteria provided, single submitter. Criteria: ACMG Guidelines, 2015. Collection method: clinical testing. Allele origin: germline. Observed: 1 variant allele.

Illumina Laboratory Services, Illumina
Classification: Uncertain significance for Febrile seizures, familial, 8. Last evaluated: 2018-01-13. Review status: criteria provided, single submitter. Criteria: ICSL Variant Classification Criteria 13 December 2019. Collection method: clinical testing. Allele origin: germline.